The following is an entry in ClinVar:

ClinVar aggregate classification (germline): Conflicting classifications of pathogenicity. Review status: criteria provided, conflicting classifications (1 of 4 stars). 2 submissions from 2 submitters: Uncertain significance (1); Likely benign (1). Last evaluated 2026-06-22.

Conditions:
Hereditary cancer-predisposing syndrome. Also called: Neoplastic Syndromes, Hereditary; Hereditary neoplastic syndrome; Hereditary Cancer Syndrome; Tumor predisposition. Identifiers: Orphanet 140162, MedGen C0027672, MeSH D009386, MONDO:0015356.
Tuberous sclerosis 2 (TSC2). Identifiers: Orphanet 805, MedGen C1860707, MONDO:0013199, OMIM 613254.

Submissions (2):

Ambry Genetics
Classification: Likely benign for Hereditary cancer-predisposing syndrome. Last evaluated: 2026-06-22. Review status: criteria provided, single submitter. Criteria: Ambry Variant Classification Scheme 2023. Collection method: clinical testing. Allele origin: germline.

Labcorp Genetics (formerly Invitae), Labcorp
Classification: Uncertain significance for Tuberous sclerosis 2. Last evaluated: 2023-04-13. Review status: criteria provided, single submitter. Criteria: Invitae Variant Classification Sherloc (09022015). Collection method: clinical testing. Allele origin: germline.
Comment: In summary, the available evidence is currently insufficient to determine the role of this variant in disease. Therefore, it has been classified as a Variant of Uncertain Significance. Advanced modeling of protein sequence and biophysical properties (such as structural, functional, and spatial information, amino acid conservation, physicochemical variation, residue mobility, and thermodynamic stability) performed at Invitae indicates that this missense variant is not expected to disrupt TSC2 protein function. ClinVar contains an entry for this variant (Variation ID: 486649). This variant has not been reported in the literature in individuals affected with TSC2-related conditions. This variant is not present in population databases (gnomAD no frequency). This sequence change replaces isoleucine, which is neutral and non-polar, with valine, which is neutral and non-polar, at codon 44 of the TSC2 protein (p.Ile44Val).

NM_000548.5(TSC2):c.130A>G (p.Ile44Val)

Gene: TSC2 (TSC complex subunit 2; plus strand). Cytogenetic location: 16p13.3.
Variant type: single nucleotide variant.
Coding change: c.130A>G on transcript NM_000548.5 (MANE Select); coding-DNA position 130, A replaced by G.
Protein change: p.Ile44Val; replaces isoleucine 44 with valine.
Molecular consequence: missense variant. On other transcripts: intron variant (1), 5 prime UTR variant (1).
Genome position (GRCh38, 1-based): chr16:2,048,745, A>G. VCF-style: chr16-2048745-A-G. GRCh37 (hg19) VCF-style: chr16-2098746-A-G.
Other names: c.130A>G, p.Ile44Val (NM_001363528.2, NM_001370404.1, NM_001370405.1 and 4 more transcripts); c.-10+680A>G (NM_001318829.2); c.-97A>G (NM_001318831.2); c.163A>G, p.Ile55Val (NM_001318832.2); short protein forms I44V, I55V.
Identifiers: ClinVar variation 486649 (VCV000486649.10), dbSNP rs1555494697, ClinGen allele CA394301772.